The following is an entry in ClinVar:

NM_000487.6(ARSA):c.343G>A (p.Ala115Thr)

Gene: ARSA (arylsulfatase A; minus strand). Cytogenetic location: 22q13.33.
Variant type: single nucleotide variant.
Coding change: c.343G>A on transcript NM_000487.6 (MANE Select); coding-DNA position 343, G replaced by A.
Protein change: p.Ala115Thr; replaces alanine 115 with threonine.
Molecular consequence: missense variant.
Genome position (GRCh38, 1-based): chr22:50,627,288, C>T on the plus strand (G>A on the coding strand, the complement: ARSA is on the minus strand). VCF-style: chr22-50627288-C-T. GRCh37 (hg19) VCF-style: chr22-51065716-C-T.
Other names: c.343G>A, p.Ala115Thr (NM_001085425.3, NM_001085426.3, NM_001085427.3); c.85G>A, p.Ala29Thr (NM_001085428.3, NM_001362782.2); short protein forms A115T, A29T.
Identifiers: ClinVar variation 857571 (VCV000857571.7), dbSNP rs1421381874, ClinGen allele CA412181012.

ClinVar aggregate classification (germline): Uncertain significance. Review status: criteria provided, single submitter (1 of 4 stars). 2 submissions from 2 submitters: Uncertain significance (1). 1 of the submissions does not count toward it. Last evaluated 2021-08-24.

Conditions:
Metachromatic leukodystrophy (MLD). Also called: Arylsulfatase A Deficiency; SULFATIDE LIPIDOSIS; ARSA DEFICIENCY; CEREBROSIDE SULFATASE DEFICIENCY; METACHROMATIC LEUKOENCEPHALOPATHY; Cerebral sclerosis diffuse metachromatic form. Identifiers: Orphanet 512, MedGen C0023522, MONDO:0018868, OMIM 250100.

Allele frequency attached by ClinVar (database versions not stated): gnomAD 0.00002; TOPMed 0.00002.

Submissions (2):

Labcorp Genetics (formerly Invitae), Labcorp
Classification: Uncertain significance for Metachromatic leukodystrophy. Last evaluated: 2021-08-24. Review status: criteria provided, single submitter. Criteria: Invitae Variant Classification Sherloc (09022015). Collection method: clinical testing. Allele origin: germline.
Comment: This sequence change replaces alanine with threonine at codon 115 of the ARSA protein (p.Ala115Thr). The alanine residue is moderately conserved and there is a small physicochemical difference between alanine and threonine. This variant is not present in population databases (ExAC no frequency). This variant has not been reported in the literature in individuals affected with ARSA-related conditions. ClinVar contains an entry for this variant (Variation ID: 857571). Algorithms developed to predict the effect of missense changes on protein structure and function (SIFT, PolyPhen-2, Align-GVGD) all suggest that this variant is likely to be tolerated. In summary, the available evidence is currently insufficient to determine the role of this variant in disease. Therefore, it has been classified as a Variant of Uncertain Significance.

Natera, Inc.
Classification: Uncertain significance for Metachromatic leukodystrophy. Last evaluated: 2020-09-16. Review status: no assertion criteria provided. Collection method: clinical testing. Allele origin: germline. Not counted in ClinVar's aggregate classification.